The following is an entry in ClinVar:

NM_005901.6(SMAD2):c.600_605dup (p.Pro201_Glu202insAspPro)

Gene: SMAD2 (SMAD family member 2; minus strand). Cytogenetic location: 18q21.1.
Variant type: Duplication.
Coding change: c.600_605dup on transcript NM_005901.6 (MANE Select); coding-DNA positions 600 to 605, 6 bases duplicated (TCCAGA; older notation c.600_605dupTCCAGA).
Protein change: p.Pro201_Glu202insAspPro.
Molecular consequence: inframe insertion.
Genome position (GRCh38, 1-based): chr18:47,868,373-47,868,378, TCTGGA duplicated on the plus strand (TCCAGA on the coding strand, the reverse complement: SMAD2 is on the minus strand). VCF-style (leftmost placement, unchanged base first): chr18-47868372-T-TTCTGGA. GRCh37 (hg19) VCF-style: chr18-45394743-T-TTCTGGA.
Other names: c.600_605dup, p.Pro201_Glu202insAspPro (NM_001003652.4); c.510_515dup, p.Pro171_Glu172insAspPro (NM_001135937.3).
Identifiers: ClinVar variation 1962551 (VCV001962551.5), dbSNP rs2511349373, ClinGen allele CA2580095771.

ClinVar aggregate classification (germline): Uncertain significance (1 of 4 stars; one submission).

Allele frequency attached by ClinVar (database versions not stated): gnomAD exomes below 0.00001.

Submission:

Labcorp Genetics (formerly Invitae), Labcorp
Classification: Uncertain significance. Last evaluated: 2022-05-09. Review status: criteria provided, single submitter. Criteria: Invitae Variant Classification Sherloc (09022015). Collection method: clinical testing. Allele origin: germline.
Comment: This variant is not present in population databases (gnomAD no frequency). This variant has not been reported in the literature in individuals affected with SMAD2-related conditions. Experimental studies and prediction algorithms are not available or were not evaluated, and the functional significance of this variant is currently unknown. In summary, the available evidence is currently insufficient to determine the role of this variant in disease. Therefore, it has been classified as a Variant of Uncertain Significance. This variant, c.600_605dup, results in the insertion of 2 amino acid(s) of the SMAD2 protein (p.Pro201_Glu202insAspPro), but otherwise preserves the integrity of the reading frame.